The following is an entry in ClinVar:

NM_206933.4(USH2A):c.8094T>G (p.Tyr2698Ter)

Gene: USH2A (usherin; minus strand). Cytogenetic location: 1q41.
Variant type: single nucleotide variant.
Coding change: c.8094T>G on transcript NM_206933.4 (MANE Select); coding-DNA position 8094, T replaced by G.
Protein change: p.Tyr2698Ter; replaces tyrosine 2698 with a stop codon.
Molecular consequence: nonsense.
Genome position (GRCh38, 1-based): chr1:215,888,555, A>C on the plus strand (T>G on the coding strand, the complement: USH2A is on the minus strand). VCF-style: chr1-215888555-A-C. GRCh37 (hg19) VCF-style: chr1-216061897-A-C.
Other names: short protein forms Y2698*.
Identifiers: ClinVar variation 2119321 (VCV002119321.4), dbSNP rs2464748620, ClinGen allele CA344838877.

ClinVar aggregate classification (germline): Pathogenic (1 of 4 stars; one submission).

Allele frequency attached by ClinVar (database versions not stated): gnomAD exomes below 0.00001.
gnomAD v4.1: 1 of 1,614,124 alleles (0.000062%); highest among the groups gnomAD compares: African/African-American, 0.0013%; no homozygotes.

Submission:

Labcorp Genetics (formerly Invitae), Labcorp
Classification: Pathogenic. Last evaluated: 2022-10-25. Review status: criteria provided, single submitter. Criteria: Invitae Variant Classification Sherloc (09022015). Collection method: clinical testing. Allele origin: germline.
Comment: This variant is not present in population databases (gnomAD no frequency). This sequence change creates a premature translational stop signal (p.Tyr2698*) in the USH2A gene. It is expected to result in an absent or disrupted protein product. Loss-of-function variants in USH2A are known to be pathogenic (PMID: 10729113, 10909849, 20507924, 25649381). This variant has not been reported in the literature in individuals affected with USH2A-related conditions. For these reasons, this variant has been classified as Pathogenic.

Literature cited by the submitters: PubMed 10729113; PubMed 10909849; PubMed 20507924; PubMed 25649381.